The following is an entry in ClinVar:

NM_000199.5(SGSH):c.1167C>A (p.Asn389Lys)

Gene: SGSH (N-sulfoglucosamine sulfohydrolase; minus strand). Cytogenetic location: 17q25.3.
Variant type: single nucleotide variant.
Coding change: c.1167C>A on transcript NM_000199.5 (MANE Select); coding-DNA position 1167, C replaced by A.
Protein change: p.Asn389Lys; replaces asparagine 389 with lysine.
Molecular consequence: missense variant. On other transcripts: 3 prime UTR variant (2), non-coding transcript variant (1).
Genome position (GRCh38, 1-based): chr17:80,210,794, G>T on the plus strand (C>A on the coding strand, the complement: SGSH is on the minus strand). VCF-style: chr17-80210794-G-T. GRCh37 (hg19) VCF-style: chr17-78184593-G-T.
Other names: c.*254C>A (NM_001352921.3); c.*217C>A (NM_001352922.2); c.1167C>A (NM_000199.4); short protein forms N389K.
Identifiers: ClinVar variation 550465 (VCV000550465.51), dbSNP rs764057581, ClinGen allele CA8817654.

ClinVar aggregate classification (germline): Pathogenic/Likely pathogenic. Review status: criteria provided, multiple submitters, no conflicts (2 of 4 stars). 6 submissions from 6 submitters: Pathogenic (4); Likely pathogenic (1). 1 of the submissions does not count toward it. Last evaluated 2026-01-28.

Conditions:
SGSH-related disorder. Also called: SGSH-related condition.
Mucopolysaccharidosis, MPS-III-A (MPS3A). Also called: Mucopolysaccharidosis, type IIIA; MPS III A; mucopolysaccharidosis type 3A; MPS IIIA (Sanfilippo Syndrome Type A); HEPARAN SULFATE SULFATASE DEFICIENCY; SANFILIPPO SYNDROME A. Identifiers: Orphanet 581, Orphanet 79269, MedGen C0086647, MONDO:0009655, OMIM 252900.

Allele frequency attached by ClinVar (database versions not stated): ExAC 0.00002; gnomAD exomes 0.00002; TOPMed 0.00002.
gnomAD v4.1: 29 of 1,614,084 alleles (0.0018%); highest among the groups gnomAD compares: Non-Finnish European, 0.0025%; no homozygotes.

Submissions (6):

Labcorp Genetics (formerly Invitae), Labcorp
Classification: Pathogenic for Mucopolysaccharidosis, MPS-III-A. Last evaluated: 2026-01-28. Review status: criteria provided, single submitter. Criteria: Invitae Variant Classification Sherloc (09022015). Collection method: clinical testing. Allele origin: germline.
Comment: This sequence change replaces asparagine, which is neutral and polar, with lysine, which is basic and polar, at codon 389 of the SGSH protein (p.Asn389Lys). This variant is present in population databases (rs764057581, gnomAD 0.004%). This missense change has been observed in individuals with mucopolysaccharidosis type III (PMID: 11903343, 21061399, 34991944). ClinVar contains an entry for this variant (Variation ID: 550465). Invitae Evidence Modeling of protein sequence and biophysical properties (such as structural, functional, and spatial information, amino acid conservation, physicochemical variation, residue mobility, and thermodynamic stability) indicates that this missense variant is expected to disrupt SGSH protein function with a positive predictive value of 95%. This variant disrupts the p.Asn389 amino acid residue in SGSH. Other variant(s) that disrupt this residue have been determined to be pathogenic (PMID: 22976768). This suggests that this residue is clinically significant, and that variants that disrupt this residue are likely to be disease-causing. For these reasons, this variant has been classified as Pathogenic.

Natera, Inc.
Classification: Likely pathogenic for Mucopolysaccharidosis type IIIA. Last evaluated: 2025-08-23. Review status: criteria provided, single submitter. Criteria: Natera Variant Classification Schema (03/2026). Collection method: clinical testing. Allele origin: germline.
Comment: The c.1167C>A variant in SGSH is a missense variant predicted to cause substitution of asparagine to lysine at amino acid 389. This variant is rare in the general population with a frequency below the threshold expected for the associated phenotype(s). This variant has been observed in one or more individuals affected with the associated recessive disease, as either homozygous or compound heterozygous with a second variant (PMID: 32036093, 34991944, 21061399). A different variant at the same position has been determined to be Pathogenic or Likely Pathogenic. Computational prediction algorithms indicate this variant is likely to affect gene or protein function. Given the available evidence, this variant is classified as Likely Pathogenic.

Blueprint Genetics
Classification: Pathogenic for SGSH-related disorders. Last evaluated: 2024-02-29. Review status: criteria provided, single submitter. Criteria: ACMG Guidelines, 2015. Collection method: clinical testing. Allele origin: germline. Affected: yes. Observed: 5 variant alleles.

CeGaT Center for Human Genetics Tuebingen
Classification: Pathogenic. Last evaluated: 2023-11-01. Review status: criteria provided, single submitter. Criteria: CeGaT Center For Human Genetics Tuebingen Variant Classification Criteria Version 2. Collection method: clinical testing. Allele origin: germline. Affected: yes. Observed: 3 variant alleles.
Comment: SGSH: PM3:Very Strong, PM2, PM5, PP4

Women's Health and Genetics/Laboratory Corporation of America, LabCorp
Classification: Pathogenic for Mucopolysaccharidosis, MPS-III-A. Last evaluated: 2023-08-02. Review status: criteria provided, single submitter. Criteria: LabCorp Variant Classification Summary - May 2015. Collection method: clinical testing. Allele origin: germline.
Comment: Variant summary: SGSH c.1167C>A (p.Asn389Lys) results in a non-conservative amino acid change in the encoded protein sequence. Five of five in-silico tools predict a damaging effect of the variant on protein function. The variant allele was found at a frequency of 2e-05 in 251050 control chromosomes (gnomAD). c.1167C>A has been reported in the literature in multiple individuals affected with Mucopolysaccharidosis Type IIIA (Sanfilippo Syndrome A; e.g. Bunge_1997, Valstar_2010, Wijburg_2022). In addition, the variant has also been reported in heterozygous state in individuals with a clinical phenotype of neuronal ceroid lipofuscinosis (DiFruscio_2015). These data indicate that the variant is very likely to be associated with disease. To our knowledge, no experimental evidence demonstrating an impact on protein function has been reported. However, a different missense affecting the same codon (p.Asn389Ser) is classified as pathogenic by our laboratory, indicating that this residue is clinically important. The following publications have been ascertained in the context of this evaluation (PMID: 9401012, 9744479, 11668611, 21061399, 24816101, 26075876, 25807448, 32036093). Four other submitters have cited clinical-significance assessments for this variant to ClinVar after 2014. All submitters classified the variant as pathogenic/likely pathogenic. Based on the evidence outlined above, the variant was classified as pathogenic.

Counsyl
Classification: Likely pathogenic for Mucopolysaccharidosis, MPS-III-A. Last evaluated: 2017-01-26. Review status: no assertion criteria provided. Collection method: clinical testing. Allele origin: unknown. Not counted in ClinVar's aggregate classification.

Literature cited by the submitters: PubMed 11903343 (cited by Labcorp Genetics (formerly Invitae), Labcorp and Counsyl); PubMed 21061399 (cited by 4 submitters); PubMed 34991944 (cited by 3 submitters); PubMed 22976768 (cited by Labcorp Genetics (formerly Invitae), Labcorp); PubMed 32036093 (cited by Natera, Inc. and Women's Health and Genetics/Laboratory Corporation of America, LabCorp); PubMed 26075876 (cited by Women's Health and Genetics/Laboratory Corporation of America, LabCorp); PubMed 9401012 (cited by Women's Health and Genetics/Laboratory Corporation of America, LabCorp and Counsyl); PubMed 9744479 (cited by Women's Health and Genetics/Laboratory Corporation of America, LabCorp); PubMed 24816101 (cited by Women's Health and Genetics/Laboratory Corporation of America, LabCorp); PubMed 25807448 (cited by Women's Health and Genetics/Laboratory Corporation of America, LabCorp); PubMed 11668611 (cited by Women's Health and Genetics/Laboratory Corporation of America, LabCorp).